The following is an entry in ClinVar:

NM_032380.5(GFM2):c.1463C>T (p.Pro488Leu)

Gene: GFM2 (GTP dependent ribosome recycling factor mitochondrial 2; minus strand). Cytogenetic location: 5q13.3.
Variant type: single nucleotide variant.
Coding change: c.1463C>T on transcript NM_032380.5 (MANE Select); coding-DNA position 1463, C replaced by T.
Protein change: p.Pro488Leu; replaces proline 488 with leucine.
Molecular consequence: missense variant. On other transcripts: non-coding transcript variant (1).
Genome position (GRCh38, 1-based): chr5:74,736,843, G>A on the plus strand (C>T on the coding strand, the complement: GFM2 is on the minus strand). VCF-style: chr5-74736843-G-A. GRCh37 (hg19) VCF-style: chr5-74032668-G-A.
Other names: c.1559C>T, p.Pro520Leu (NM_001281302.2); c.1463C>T, p.Pro488Leu (NM_170681.3); c.1322C>T, p.Pro441Leu (NM_170691.3); short protein forms P441L, P488L, P520L.
Identifiers: ClinVar variation 1961666 (VCV001961666.5), dbSNP rs758104237, ClinGen allele CA120917024.

ClinVar aggregate classification (germline): Uncertain significance (1 of 4 stars; one submission).

Submission:

Labcorp Genetics (formerly Invitae), Labcorp
Classification: Uncertain significance. Last evaluated: 2022-03-22. Review status: criteria provided, single submitter. Criteria: Invitae Variant Classification Sherloc (09022015). Collection method: clinical testing. Allele origin: germline.
Comment: In summary, the available evidence is currently insufficient to determine the role of this variant in disease. Therefore, it has been classified as a Variant of Uncertain Significance. Algorithms developed to predict the effect of missense changes on protein structure and function (SIFT, PolyPhen-2, Align-GVGD) all suggest that this variant is likely to be disruptive. This variant has not been reported in the literature in individuals affected with GFM2-related conditions. This variant is not present in population databases (gnomAD no frequency). This sequence change replaces proline, which is neutral and non-polar, with leucine, which is neutral and non-polar, at codon 488 of the GFM2 protein (p.Pro488Leu).